The following is an entry in ClinVar:

NM_001042492.3(NF1):c.4296A>C (p.Pro1432=)

Gene: NF1 (neurofibromin 1; plus strand). Cytogenetic location: 17q11.2.
Variant type: single nucleotide variant.
Coding change: c.4296A>C on transcript NM_001042492.3 (MANE Select); coding-DNA position 4296, A replaced by C.
Protein change: p.Pro1432=; no amino-acid change (proline 1432 retained).
Molecular consequence: synonymous variant.
Genome position (GRCh38, 1-based): chr17:31,258,466, A>C. VCF-style: chr17-31258466-A-C. GRCh37 (hg19) VCF-style: chr17-29585484-A-C.
Other names: c.4233A>C, p.Pro1411= (NM_000267.4).
Identifiers: ClinVar variation 220361 (VCV000220361.11), dbSNP rs864622492, ClinGen allele CA349208.

ClinVar aggregate classification (germline): Benign/Likely benign. Review status: criteria provided, multiple submitters, no conflicts (2 of 4 stars). 2 submissions from 2 submitters: Benign (1); Likely benign (1). Last evaluated 2026-05-19.

Conditions:
Neurofibromatosis, type 1 (NF1). Also called: Neurofibromatosis, type I; NEUROFIBROMATOSIS, TYPE I, SOMATIC; VON RECKLINGHAUSEN DISEASE; Peripheral type neurofibromatosis. Identifiers: Orphanet 636, MedGen C0027831, MONDO:0018975, OMIM 162200. Disease mechanism: loss of function.

gnomAD v4.1: 1 of 1,613,982 alleles (0.000062%); no homozygotes.

Submissions (2):

Myriad Genetics, Inc.
Classification: Benign for Neurofibromatosis, type 1. Last evaluated: 2026-05-19. Review status: criteria provided, single submitter. Criteria: Myriad Autosomal Dominant, Autosomal Recessive and X-Linked Classification Criteria (2023). Collection method: clinical testing. Allele origin: unknown.
Comment: This variant is considered benign. This variant is a silent/synonymous amino acid change and it is not expected to impact splicing.

Labcorp Genetics (formerly Invitae), Labcorp
Classification: Likely benign for Neurofibromatosis, type 1. Last evaluated: 2025-12-09. Review status: criteria provided, single submitter. Criteria: Invitae Variant Classification Sherloc (09022015). Collection method: clinical testing. Allele origin: germline.